The following is an entry in ClinVar:

ClinVar aggregate classification (germline): Benign. Review status: criteria provided, multiple submitters, no conflicts (2 of 4 stars). 2 submissions from 2 submitters: Benign (2). Last evaluated 2016-03-28.

Allele frequency attached by ClinVar (database versions not stated): 1000 Genomes Project 30x 0.01437; TOPMed 0.01994; gnomAD 0.02590 and 0.02672.
gnomAD v4.1: 44,147 of 1,602,608 alleles (2.8%); highest among the groups gnomAD compares: Non-Finnish European, 3%; 962 homozygotes.

Submissions (2):

Laboratory for Molecular Medicine, Mass General Brigham Personalized Medicine
Classification: Benign. Last evaluated: 2016-03-28. Review status: criteria provided, single submitter. Criteria: LMM Criteria. Collection method: clinical testing. Allele origin: germline.
Comment: Variant identified in a genome or exome case(s) and assessed due to predicted null impact of the variant or pathogenic assertions in the literature or databases. Disclaimer: This variant has not undergone full assessment. The following are preliminary notes: Frequency

Breakthrough Genomics
Classification: Benign. Review status: criteria provided, single submitter. Criteria: ACMG Guidelines, 2015. Collection method: not provided. Allele origin: germline. Inheritance: Autosomal dominant inheritance. Affected: yes.

NM_002458.3(MUC5B):c.9617T>C (p.Ile3206Thr)

Genes: MUC5B (mucin 5B, oligomeric mucus/gel-forming; plus strand), MUC5B-AS1 (MUC5B antisense RNA 1; minus strand). Cytogenetic location: 11p15.5.
Variant type: single nucleotide variant.
Coding change: c.9617T>C on transcript NM_002458.3 (MANE Select); coding-DNA position 9617, T replaced by C.
Protein change: p.Ile3206Thr; replaces isoleucine 3206 with threonine.
Molecular consequence: missense variant.
Genome position (GRCh38, 1-based): chr11:1,246,497, T>C. VCF-style: chr11-1246497-T-C. GRCh37 (hg19) VCF-style: chr11-1267727-T-C.
Other names: short protein forms I3206T.
Identifiers: ClinVar variation 403156 (VCV000403156.5), dbSNP rs202001610, ClinGen allele CA5807080.